The following is an entry in ClinVar:

ClinVar aggregate classification (germline): Uncertain significance. Review status: criteria provided, multiple submitters, no conflicts (2 of 4 stars). 3 submissions from 3 submitters: Uncertain significance (3). Last evaluated 2025-05-14.

Conditions:
Hereditary cancer-predisposing syndrome. Also called: Hereditary neoplastic syndrome; Neoplastic Syndromes, Hereditary; Tumor predisposition; Hereditary Cancer Syndrome. Identifiers: Orphanet 140162, MedGen C0027672, MeSH D009386, MONDO:0015356.
Familial thoracic aortic aneurysm and aortic dissection (TAAD). Also called: Thoracic aortic aneurysms and dissections. Identifiers: Orphanet 91387, MedGen C4707243, MONDO:0019625.
Juvenile polyposis syndrome (JPS). Identifiers: Orphanet 2929, MedGen C0345893, MONDO:0017380, OMIM 174900.

Allele frequency attached by ClinVar (database versions not stated): gnomAD exomes below 0.00001.
gnomAD v4.1: 2 of 1,613,634 alleles (0.00012%); highest among the groups gnomAD compares: Non-Finnish European, 0.00017%; no homozygotes.

Submissions (3):

Ambry Genetics
Classification: Uncertain significance for Hereditary cancer-predisposing syndrome; Familial thoracic aortic aneurysm and aortic dissection. Last evaluated: 2025-05-14. Review status: criteria provided, single submitter. Criteria: Ambry Variant Classification Scheme 2023. Collection method: clinical testing. Allele origin: germline.
Comment: The p.V137I variant (also known as c.409G>A), located in coding exon 2 of the SMAD4 gene, results from a G to A substitution at nucleotide position 409. The valine at codon 137 is replaced by isoleucine, an amino acid with highly similar properties. This amino acid position is highly conserved in available vertebrate species. In addition, the in silico prediction for this alteration is inconclusive. Since supporting evidence is limited at this time, the clinical significance of this alteration remains unclear.

Color Diagnostics, LLC DBA Color Health
Classification: Uncertain significance for Hereditary cancer-predisposing syndrome. Last evaluated: 2024-07-15. Review status: criteria provided, single submitter. Criteria: ACMG Guidelines, 2015. Collection method: clinical testing. Allele origin: germline.
Comment: This missense variant replaces valine with isoleucine at codon 137 of the SMAD4 protein. Computational prediction suggests that this variant may not impact protein structure and function (internally defined REVEL score threshold <= 0.5, PMID: 27666373). To our knowledge, functional studies have not been reported for this variant. This variant has not been reported in individuals affected with SMAD4-related disorders in the literature. This variant has not been identified in the general population by the Genome Aggregation Database (gnomAD). The available evidence is insufficient to determine the role of this variant in disease conclusively. Therefore, this variant is classified as a Variant of Uncertain Significance.

Labcorp Genetics (formerly Invitae), Labcorp
Classification: Uncertain significance for Juvenile polyposis syndrome. Last evaluated: 2023-08-29. Review status: criteria provided, single submitter. Criteria: Invitae Variant Classification Sherloc (09022015). Collection method: clinical testing. Allele origin: germline.
Comment: This sequence change replaces valine, which is neutral and non-polar, with isoleucine, which is neutral and non-polar, at codon 137 of the SMAD4 protein (p.Val137Ile). In summary, the available evidence is currently insufficient to determine the role of this variant in disease. Therefore, it has been classified as a Variant of Uncertain Significance. Advanced modeling of protein sequence and biophysical properties (such as structural, functional, and spatial information, amino acid conservation, physicochemical variation, residue mobility, and thermodynamic stability) has been performed at Invitae for this missense variant, however the output from this modeling did not meet the statistical confidence thresholds required to predict the impact of this variant on SMAD4 protein function. ClinVar contains an entry for this variant (Variation ID: 1025016). This variant has not been reported in the literature in individuals affected with SMAD4-related conditions. This variant is not present in population databases (gnomAD no frequency).

NM_005359.6(SMAD4):c.409G>A (p.Val137Ile)

Gene: SMAD4 (SMAD family member 4; plus strand). Cytogenetic location: 18q21.2.
Variant type: single nucleotide variant.
Coding change: c.409G>A on transcript NM_005359.6 (MANE Select); coding-DNA position 409, G replaced by A.
Protein change: p.Val137Ile; replaces valine 137 with isoleucine.
Molecular consequence: missense variant.
Genome position (GRCh38, 1-based): chr18:51,048,845, G>A. VCF-style: chr18-51048845-G-A. GRCh37 (hg19) VCF-style: chr18-48575215-G-A.
Other names: short protein forms V137I.
Identifiers: ClinVar variation 1025016 (VCV001025016.13), dbSNP rs1909623079, ClinGen allele CA402458818.
Genomic context (GRCh38, chr18:51,048,845, plus strand): 5'-TATGCGTTTGACTTAAAATGTGATAGTGTCTGTGTGAATCCATATCACTACGAACGAGTT[G>A]TATCACCTGGAATTGGTAAGTAGACTTTGCTTTCATCCTAAGAAACATAAAGGGAAAAGG-3'
Protein context (NP_005350.1, residues 127-147): CVNPYHYERV[Val137Ile]SPGIDLSGLT